The following is an entry in ClinVar:

NM_004565.3(PEX14):c.1036C>G (p.Gln346Glu)

Gene: PEX14 (peroxisomal biogenesis factor 14; plus strand). Cytogenetic location: 1p36.22.
Variant type: single nucleotide variant.
Coding change: c.1036C>G on transcript NM_004565.3 (MANE Select); coding-DNA position 1036, C replaced by G.
Protein change: p.Gln346Glu; replaces glutamine 346 with glutamic acid.
Molecular consequence: missense variant.
Genome position (GRCh38, 1-based): chr1:10,629,889, C>G. VCF-style: chr1-10629889-C-G. GRCh37 (hg19) VCF-style: chr1-10689946-C-G.
Other names: c.1036C>G (NM_004565.2); short protein forms Q346E.
Identifiers: ClinVar variation 1987352 (VCV001987352.2), dbSNP rs773295464, ClinGen allele CA338339561.

ClinVar aggregate classification (germline): Uncertain significance. Review status: criteria provided, multiple submitters, no conflicts (2 of 4 stars). 2 submissions from 2 submitters: Uncertain significance (2). Last evaluated 2026-06-11.

Conditions:
PEX14-related disorder. Also called: PEX14-related condition.
Peroxisome biogenesis disorder, complementation group K (CGK). Identifiers: MedGen C1866257, MONDO:0800365.

Submissions (2):

PreventionGenetics, part of Exact Sciences
Classification: Uncertain significance for PEX14-related condition. Last evaluated: 2026-06-11. Review status: criteria provided, single submitter. Criteria: ACMG Guidelines, 2015. Collection method: clinical testing. Allele origin: germline.
Comment: The PEX14 c.1036C>G variant is predicted to result in the amino acid substitution p.Gln346Glu. To our knowledge, this variant has not been reported in the literature. This variant is reported in 0.0029% of alleles in individuals of Latino descent in gnomAD. At this time, the clinical significance of this variant is uncertain due to the absence of conclusive functional and genetic evidence.

Labcorp Genetics (formerly Invitae), Labcorp
Classification: Uncertain significance for Peroxisome biogenesis disorder, complementation group K. Last evaluated: 2022-08-13. Review status: criteria provided, single submitter. Criteria: Invitae Variant Classification Sherloc (09022015). Collection method: clinical testing. Allele origin: germline.
Comment: This sequence change replaces glutamine, which is neutral and polar, with glutamic acid, which is acidic and polar, at codon 346 of the PEX14 protein (p.Gln346Glu). This variant is present in population databases (no rsID available, gnomAD 0.003%). This variant has not been reported in the literature in individuals affected with PEX14-related conditions. Algorithms developed to predict the effect of missense changes on protein structure and function are either unavailable or do not agree on the potential impact of this missense change (SIFT: "Tolerated"; PolyPhen-2: "Probably Damaging"; Align-GVGD: "Class C0"). In summary, the available evidence is currently insufficient to determine the role of this variant in disease. Therefore, it has been classified as a Variant of Uncertain Significance.